The following is an entry in ClinVar:

ClinVar aggregate classification (germline): Uncertain significance. Review status: criteria provided, multiple submitters, no conflicts (2 of 4 stars). 2 submissions from 2 submitters: Uncertain significance (2). Last evaluated 2023-04-07.

Conditions:
Familial cancer of breast. Also called: Hereditary breast cancer; BREAST CANCER, FAMILIAL; hereditary breast carcinoma. Identifiers: Orphanet 227535, MedGen C0346153, MONDO:0016419, OMIM 114480. Disease mechanism: loss of function.
Fanconi anemia complementation group J. Also called: BRIP1-Related Fanconi Anemia. Identifiers: Orphanet 84, MedGen C1836860, MONDO:0012187, OMIM 609054.

Submissions (2):

Labcorp Genetics (formerly Invitae), Labcorp
Classification: Uncertain significance for Familial cancer of breast; Fanconi anemia complementation group J. Last evaluated: 2023-04-07. Review status: criteria provided, single submitter. Criteria: Invitae Variant Classification Sherloc (09022015). Collection method: clinical testing. Allele origin: germline.
Comment: This sequence change replaces serine, which is neutral and polar, with threonine, which is neutral and polar, at codon 444 of the BRIP1 protein (p.Ser444Thr). This variant is not present in population databases (gnomAD no frequency). In summary, the available evidence is currently insufficient to determine the role of this variant in disease. Therefore, it has been classified as a Variant of Uncertain Significance. Advanced modeling of protein sequence and biophysical properties (such as structural, functional, and spatial information, amino acid conservation, physicochemical variation, residue mobility, and thermodynamic stability) performed at Invitae indicates that this missense variant is not expected to disrupt BRIP1 protein function. ClinVar contains an entry for this variant (Variation ID: 811077). This variant has not been reported in the literature in individuals affected with BRIP1-related conditions.

ARUP Laboratories, Molecular Genetics and Genomics, ARUP Laboratories
Classification: Uncertain significance for Fanconi anemia complementation group J. Last evaluated: 2018-07-24. Review status: criteria provided, single submitter. Criteria: ARUP Molecular Germline Variant Investigation Process. Collection method: clinical testing. Allele origin: germline.
Comment: The BRIP1 c.1331G>C; p.Ser444Thr variant, to our knowledge, is not reported in the medical literature or gene specific databases. This variant is also absent from general population databases (1000 Genomes Project, Exome Variant Server, and Genome Aggregation Database), indicating it is not a common polymorphism. The serine at codon 444 is moderately conserved but computational analyses (SIFT, PolyPhen-2) predict that this variant is tolerated. However, given the lack of clinical and functional data, the significance of the p.Ser444Thr variant is uncertain at this time.

NM_032043.3(BRIP1):c.1331G>C (p.Ser444Thr)

Gene: BRIP1 (BRCA1 interacting DNA helicase 1; minus strand). Cytogenetic location: 17q23.2.
Variant type: single nucleotide variant.
Coding change: c.1331G>C on transcript NM_032043.3 (MANE Select); coding-DNA position 1331, G replaced by C.
Protein change: p.Ser444Thr; replaces serine 444 with threonine.
Molecular consequence: missense variant.
Genome position (GRCh38, 1-based): chr17:61,799,109, C>G on the plus strand (G>C on the coding strand, the complement: BRIP1 is on the minus strand). VCF-style: chr17-61799109-C-G. GRCh37 (hg19) VCF-style: chr17-59876470-C-G.
Other names: short protein forms S444T.
Identifiers: ClinVar variation 811077 (VCV000811077.11), dbSNP rs1603342140, ClinGen allele CA400483334.